The following is an entry in ClinVar:

NM_177438.3(DICER1):c.3275C>G (p.Pro1092Arg)

Gene: DICER1 (dicer 1, ribonuclease III; minus strand). Cytogenetic location: 14q32.13.
Variant type: single nucleotide variant.
Coding change: c.3275C>G on transcript NM_177438.3 (MANE Select); coding-DNA position 3275, C replaced by G.
Protein change: p.Pro1092Arg; replaces proline 1092 with arginine.
Molecular consequence: missense variant. On other transcripts: non-coding transcript variant (4).
Genome position (GRCh38, 1-based): chr14:95,104,121, G>C on the plus strand (C>G on the coding strand, the complement: DICER1 is on the minus strand). VCF-style: chr14-95104121-G-C. GRCh37 (hg19) VCF-style: chr14-95570458-G-C.
Other names: c.3275C>G, p.Pro1092Arg (NM_001195573.1, NM_001271282.3, NM_001291628.2 and 12 more transcripts); c.2993C>G, p.Pro998Arg (NM_001395686.1); c.2870C>G, p.Pro957Arg (NM_001395687.1, NM_001395688.1, NM_001395689.1 and 2 more transcripts); c.2708C>G, p.Pro903Arg (NM_001395691.1); c.1592C>G, p.Pro531Arg (NM_001395697.1); short protein forms P1092R, P531R, P903R, P957R, P998R.
Identifiers: ClinVar variation 1692086 (VCV001692086.4), dbSNP rs1196047547, ClinGen allele CA390876113.

ClinVar aggregate classification (germline): Uncertain significance. Review status: criteria provided, multiple submitters, no conflicts (2 of 4 stars). 2 submissions from 2 submitters: Uncertain significance (2). Last evaluated 2023-07-08.

Conditions:
Hereditary cancer-predisposing syndrome. Also called: Neoplastic Syndromes, Hereditary; Hereditary Cancer Syndrome; Tumor predisposition; Hereditary neoplastic syndrome. Identifiers: Orphanet 140162, MedGen C0027672, MeSH D009386, MONDO:0015356.
DICER1-related tumor predisposition. Also called: DICER1-related pleuropulmonary blastoma cancer predisposition syndrome; DICER1 syndrome. Identifiers: Orphanet 284343, MedGen C3839822, MONDO:0100216.

Submissions (2):

Labcorp Genetics (formerly Invitae), Labcorp
Classification: Uncertain significance for DICER1-related tumor predisposition. Last evaluated: 2023-07-08. Review status: criteria provided, single submitter. Criteria: Invitae Variant Classification Sherloc (09022015). Collection method: clinical testing. Allele origin: germline.
Comment: In summary, the available evidence is currently insufficient to determine the role of this variant in disease. Therefore, it has been classified as a Variant of Uncertain Significance. Advanced modeling of protein sequence and biophysical properties (such as structural, functional, and spatial information, amino acid conservation, physicochemical variation, residue mobility, and thermodynamic stability) performed at Invitae indicates that this missense variant is not expected to disrupt DICER1 protein function. ClinVar contains an entry for this variant (Variation ID: 1692086). This variant has not been reported in the literature in individuals affected with DICER1-related conditions. This variant is not present in population databases (gnomAD no frequency). This sequence change replaces proline, which is neutral and non-polar, with arginine, which is basic and polar, at codon 1092 of the DICER1 protein (p.Pro1092Arg).

Sema4
Classification: Uncertain significance for Hereditary cancer-predisposing syndrome. Last evaluated: 2021-07-27. Review status: criteria provided, single submitter. Criteria: Sema4 Curation Guidelines. Collection method: curation. Allele origin: germline.
Comment: The DICER1 c.3275C>G (p.P1092R) variant has not been reported in the literature to our knowledge. It was not observed in the large and broad cohorts of the Genome Aggregation Database (PMID: 32461654). The variant has not been reported in ClinVar. Functional studies have not been performed and in silico tool predictions of the variant's effect on protein function are inconclusive. The evidence is insufficient to meet ACMG/AMP criteria for classifying the variant as benign or pathogenic. Thus, the clinical significance of this variant is currently uncertain.